The following is an entry in ClinVar:

NM_001003841.3(SLC6A19):c.284G>A (p.Arg95Gln)

Gene: SLC6A19 (solute carrier family 6 member 19; plus strand). Cytogenetic location: 5p15.33.
Variant type: single nucleotide variant.
Coding change: c.284G>A on transcript NM_001003841.3 (MANE Select); coding-DNA position 284, G replaced by A.
Protein change: p.Arg95Gln; replaces arginine 95 with glutamine.
Molecular consequence: missense variant.
Genome position (GRCh38, 1-based): chr5:1,208,827, G>A. VCF-style: chr5-1208827-G-A. GRCh37 (hg19) VCF-style: chr5-1208942-G-A.
Other names: p.Arg95Gln; short protein forms R95Q.
Identifiers: ClinVar variation 1342182 (VCV001342182.7), dbSNP rs201936518, ClinGen allele CA112934873.
Genomic context (GRCh38, chr5:1,208,827, plus strand): 5'-TCATCCTGCTGGTCCTGGAGGGCATCCCCCTGCTGTACCTGGAGTTCGCCATCGGGCAGC[G>A]GCTGCGGCGGGGCAGCCTGGGTGTGTGGAGCTCCATCCACCCGGCCCTGAAGGGCCTAGG-3'
Protein context (NP_001003841.1, residues 85-105): LLYLEFAIGQ[Arg95Gln]LRRGSLGVWS

ClinVar aggregate classification (germline): Conflicting classifications of pathogenicity. Review status: criteria provided, conflicting classifications (1 of 4 stars). 3 submissions from 3 submitters: Likely pathogenic (1); Uncertain significance (2). Last evaluated 2024-04-08.

Conditions:
Neutral 1 amino acid transport defect (HND). Also called: Hartnup disease; HARTNUP DISORDER. Identifiers: Orphanet 2116, MedGen C0018609, MONDO:0009324, OMIM 234500.

Allele frequency attached by ClinVar (database versions not stated): gnomAD 0.00001 and 0.00002; gnomAD exomes 0.00002; 1000 Genomes Project 0.00020; 1000 Genomes Project 30x 0.00031.
gnomAD v4.1: 30 of 1,613,332 alleles (0.0019%); highest among the groups gnomAD compares: Admixed American, 0.012%; no homozygotes.

Submissions (3):

Fulgent Genetics
Classification: Uncertain significance for Neutral 1 amino acid transport defect. Last evaluated: 2024-04-08. Review status: criteria provided, single submitter. Criteria: ACMG Guidelines, 2015. Collection method: clinical testing. Allele origin: germline.

Labcorp Genetics (formerly Invitae), Labcorp
Classification: Uncertain significance. Last evaluated: 2022-05-13. Review status: criteria provided, single submitter. Criteria: Invitae Variant Classification Sherloc (09022015). Collection method: clinical testing. Allele origin: germline.
Comment: This sequence change replaces arginine, which is basic and polar, with glutamine, which is neutral and polar, at codon 95 of the SLC6A19 protein (p.Arg95Gln). This variant is present in population databases (rs201936518, gnomAD 0.01%). This variant has not been reported in the literature in individuals affected with SLC6A19-related conditions. Advanced modeling of protein sequence and biophysical properties (such as structural, functional, and spatial information, amino acid conservation, physicochemical variation, residue mobility, and thermodynamic stability) performed at Invitae indicates that this missense variant is expected to disrupt SLC6A19 protein function. In summary, the available evidence is currently insufficient to determine the role of this variant in disease. Therefore, it has been classified as a Variant of Uncertain Significance.

Foundation for Research in Genetics and Endocrinology, FRIGE's Institute of Human Genetics
Classification: Likely pathogenic for Neutral 1 amino acid transport defect. Last evaluated: 2021-08-14. Review status: criteria provided, single submitter. Criteria: ACMG Guidelines, 2015. Collection method: clinical testing. Allele origin: biparental. Inheritance: Autosomal recessive inheritance. Affected: yes. Observed: 1 homozygote.
Comment: A homozygous missense variation in exon 2 of the SLC6A19 gene that results in the amino acid substitution of Glutamine for Arginine at codon 95 was detected. The observed variant c.284G>A (p.Arg95Gln) has a minor allele frequency of 0.02% in the 1000 genomes and 0.001% in the gnomAD database. The in silico predictions of the variant are possibly damaging by PolyPhen-2 (HumDiv) and damaging by SIFT, LRT and MutationTaster2. The reference codon is conserved across species. Segregation analysis showed this variant to be of biparental origin. In summary, the variant meets our criteria to be classified as a likely pathogenic variant.